The following is an entry in ClinVar:

ClinVar aggregate classification (germline): Uncertain significance (1 of 4 stars; one submission).

Conditions:
Hereditary cancer-predisposing syndrome. Also called: Tumor predisposition; Hereditary Cancer Syndrome; Neoplastic Syndromes, Hereditary; Hereditary neoplastic syndrome. Identifiers: Orphanet 140162, MedGen C0027672, MeSH D009386, MONDO:0015356.

Allele frequency attached by ClinVar (database versions not stated): gnomAD exomes below 0.00001.
gnomAD v4.1: 2 of 1,614,076 alleles (0.00012%); highest among the groups gnomAD compares: Non-Finnish European, 0.000085%; no homozygotes.

Submission:

Ambry Genetics
Classification: Uncertain significance for Hereditary cancer-predisposing syndrome. Last evaluated: 2026-01-29. Review status: criteria provided, single submitter. Criteria: Ambry Variant Classification Scheme 2023. Collection method: clinical testing. Allele origin: germline.
Comment: The p.S346F variant (also known as c.1037C>T), located in coding exon 8 of the SDHA gene, results from a C to T substitution at nucleotide position 1037. The serine at codon 346 is replaced by phenylalanine, an amino acid with highly dissimilar properties. This amino acid position is highly conserved in available vertebrate species. In addition, this alteration is predicted to be deleterious by in silico analysis. Since supporting evidence is limited at this time, the clinical significance of this alteration remains unclear.

NM_004168.4(SDHA):c.1037C>T (p.Ser346Phe)

Gene: SDHA (succinate dehydrogenase complex flavoprotein subunit A; plus strand). Cytogenetic location: 5p15.33.
Variant type: single nucleotide variant.
Coding change: c.1037C>T on transcript NM_004168.4 (MANE Select); coding-DNA position 1037, C replaced by T.
Protein change: p.Ser346Phe; replaces serine 346 with phenylalanine.
Molecular consequence: missense variant.
Genome position (GRCh38, 1-based): chr5:233,618, C>T. VCF-style: chr5-233618-C-T. GRCh37 (hg19) VCF-style: chr5-233733-C-T.
Other names: c.893C>T, p.Ser298Phe (NM_001294332.2); c.1037C>T, p.Ser346Phe (NM_001330758.2); short protein forms S346F, S298F.
Identifiers: ClinVar variation 486362 (VCV000486362.7), dbSNP rs1041948, ClinGen allele CA359012942.